The following is an entry in ClinVar:

NM_000161.3(GCH1):c.650G>T (p.Gly217Val)

Gene: GCH1 (GTP cyclohydrolase 1; minus strand). Cytogenetic location: 14q22.2.
Variant type: single nucleotide variant.
Coding change: c.650G>T on transcript NM_000161.3 (MANE Select); coding-DNA position 650, G replaced by T.
Protein change: p.Gly217Val; replaces glycine 217 with valine.
Molecular consequence: missense variant. On other transcripts: intron variant (2).
Genome position (GRCh38, 1-based): chr14:54,844,120, C>A on the plus strand (G>T on the coding strand, the complement: GCH1 is on the minus strand). VCF-style: chr14-54844120-C-A. GRCh37 (hg19) VCF-style: chr14-55310838-C-A.
Other names: c.650G>T, p.Gly217Val (NM_001024024.2); c.627-1066G>T (NM_001024071.2); c.627-251G>T (NM_001024070.2); short protein forms G217V.
Identifiers: ClinVar variation 967583 (VCV000967583.6), dbSNP rs2039603046, ClinGen allele CA389787190.

ClinVar aggregate classification (germline): Uncertain significance. Review status: criteria provided, multiple submitters, no conflicts (2 of 4 stars). 2 submissions from 2 submitters: Uncertain significance (2). Last evaluated 2026-03-03.

Conditions:
GTP cyclohydrolase I deficiency. Identifiers: MedGen C0268467, MONDO:0100184.
Dystonia 5 (DRD). Also called: Dystonia, DOPA-responsive, with or without hyperphenylalaninemia; GTP Cyclohydrolase 1-Deficient Dopa-Responsive Dystonia; DYT-GCH1; DYSTONIA, PROGRESSIVE, WITH DIURNAL VARIATION; DYSTONIA-PARKINSONISM WITH DIURNAL FLUCTUATION. Identifiers: Orphanet 98808, MedGen C1851920, MONDO:0007495, OMIM 128230.

Submissions (2):

GeneDx
Classification: Uncertain significance. Last evaluated: 2026-03-03. Review status: criteria provided, single submitter. Criteria: GeneDx Variant Classification Process June 2021. Collection method: clinical testing. Allele origin: germline.
Comment: In silico analysis supports that this missense variant has a deleterious effect on protein structure/function; Not observed at significant frequency in large population cohorts (gnomAD); This variant is associated with the following publications: (PMID: 24993959)

Labcorp Genetics (formerly Invitae), Labcorp
Classification: Uncertain significance for GTP cyclohydrolase I deficiency; Dystonia 5. Last evaluated: 2021-08-27. Review status: criteria provided, single submitter. Criteria: Invitae Variant Classification Sherloc (09022015). Collection method: clinical testing. Allele origin: germline.